The following is an entry in ClinVar:

ClinVar aggregate classification (germline): Uncertain significance (1 of 4 stars; one submission).

Submission:

Labcorp Genetics (formerly Invitae), Labcorp
Classification: Uncertain significance. Last evaluated: 2021-02-17. Review status: criteria provided, single submitter. Criteria: Invitae Variant Classification Sherloc (09022015). Collection method: clinical testing. Allele origin: germline.
Comment: This sequence change replaces proline with serine at codon 4320 of the HSPG2 protein (p.Pro4320Ser). The proline residue is weakly conserved and there is a moderate physicochemical difference between proline and serine. This variant is not present in population databases (ExAC no frequency). This variant has not been reported in the literature in individuals with HSPG2-related conditions. Algorithms developed to predict the effect of missense changes on protein structure and function are either unavailable or do not agree on the potential impact of this missense change (SIFT: "Tolerated"; PolyPhen-2: "Probably Damaging"; Align-GVGD: "Class C0"). In summary, the available evidence is currently insufficient to determine the role of this variant in disease. Therefore, it has been classified as a Variant of Uncertain Significance.

NM_005529.7(HSPG2):c.12958C>T (p.Pro4320Ser)

Genes: HSPG2 (heparan sulfate proteoglycan 2; minus strand), LDLRAD2 (low density lipoprotein receptor class A domain containing 2; plus strand). Cytogenetic location: 1p36.12.
Variant type: single nucleotide variant.
Coding change: c.12958C>T on transcript NM_005529.7 (MANE Select); coding-DNA position 12958, C replaced by T.
Protein change: p.Pro4320Ser; replaces proline 4320 with serine.
Molecular consequence: missense variant. On other transcripts: 3 prime UTR variant (1).
Genome position (GRCh38, 1-based): chr1:21,823,661, G>A on the plus strand (C>T on the coding strand, the complement: HSPG2 is on the minus strand). VCF-style: chr1-21823661-G-A. GRCh37 (hg19) VCF-style: chr1-22150154-G-A.
Other names: c.12961C>T, p.Pro4321Ser (NM_001291860.2); c.*1446G>A (NM_001013693.3); short protein forms P4320S, P4321S.
Identifiers: ClinVar variation 1496751 (VCV001496751.8), dbSNP rs772757002, ClinGen allele CA338895982.